The following is an entry in ClinVar:

NM_001018115.3(FANCD2):c.952G>A (p.Ala318Thr)

Genes: FANCD2 (FA complementation group D2; plus strand), LOC107303338 (3p25 FANCD2 Alu-mediated recombination region; plus strand). Cytogenetic location: 3p25.3.
Variant type: single nucleotide variant.
Coding change: c.952G>A on transcript NM_001018115.3 (MANE Select); coding-DNA position 952, G replaced by A.
Protein change: p.Ala318Thr; replaces alanine 318 with threonine.
Molecular consequence: missense variant.
Genome position (GRCh38, 1-based): chr3:10,043,113, G>A. VCF-style: chr3-10043113-G-A. GRCh37 (hg19) VCF-style: chr3-10084797-G-A.
Other names: c.952G>A, p.Ala318Thr (NM_001319984.2, NM_001374253.1, NM_001374254.1 and 1 more transcripts); short protein forms A318T.
Identifiers: ClinVar variation 2154404 (VCV002154404.3), dbSNP rs745779297, ClinGen allele CA351729957.

ClinVar aggregate classification (germline): Uncertain significance (1 of 4 stars; one submission).

Conditions:
Fanconi anemia (FA). Also called: Fanconi's anemia. Identifiers: Orphanet 84, MedGen C0015625, MeSH D005199, MONDO:0019391.

gnomAD v4.1: 2 of 1,614,058 alleles (0.00012%); highest among the groups gnomAD compares: East Asian, 0.0045%; no homozygotes.

Submission:

Labcorp Genetics (formerly Invitae), Labcorp
Classification: Uncertain significance for Fanconi anemia. Last evaluated: 2024-12-16. Review status: criteria provided, single submitter. Criteria: Invitae Variant Classification Sherloc (09022015). Collection method: clinical testing. Allele origin: germline.
Comment: This sequence change replaces alanine, which is neutral and non-polar, with threonine, which is neutral and polar, at codon 318 of the FANCD2 protein (p.Ala318Thr). This variant is present in population databases (no rsID available, gnomAD 0.006%). This variant has not been reported in the literature in individuals affected with FANCD2-related conditions. ClinVar contains an entry for this variant (Variation ID: 2154404). Invitae Evidence Modeling of protein sequence and biophysical properties (such as structural, functional, and spatial information, amino acid conservation, physicochemical variation, residue mobility, and thermodynamic stability) indicates that this missense variant is not expected to disrupt FANCD2 protein function with a negative predictive value of 80%. In summary, the available evidence is currently insufficient to determine the role of this variant in disease. Therefore, it has been classified as a Variant of Uncertain Significance.